The following is an entry in ClinVar:

NM_000824.5(GLRB):c.297+10C>T

Gene: GLRB (glycine receptor beta; plus strand). Cytogenetic location: 4q32.1.
Variant type: single nucleotide variant.
Coding change: c.297+10C>T on transcript NM_000824.5 (MANE Select); 10 bases into the intron after coding-DNA position 297, C replaced by T.
Molecular consequence: intron variant.
Genome position (GRCh38, 1-based): chr4:157,122,407, C>T. VCF-style: chr4-157122407-C-T. GRCh37 (hg19) VCF-style: chr4-158043559-C-T.
Other names: c.297+10C>T (NM_001166061.2, NM_001166060.2).
Identifiers: ClinVar variation 347917 (VCV000347917.18), dbSNP rs41280501, ClinGen allele CA3119710.

ClinVar aggregate classification (germline): Benign. Review status: criteria provided, multiple submitters, no conflicts (2 of 4 stars). 6 submissions from 6 submitters: Benign (6). Last evaluated 2026-02-03.

Conditions:
Hyperekplexia 2 (HKPX2). Identifiers: Orphanet 3197, MedGen C3553291, MONDO:0013828, OMIM 614619.

Allele frequency attached by ClinVar (database versions not stated): gnomAD 0.42262 and 0.42413; ESP Exome Variant Server 0.43674; TOPMed 0.43916; 1000 Genomes Project 0.49121; 1000 Genomes Project 30x 0.49875.
gnomAD v4.1: 327,306 of 1,019,514 alleles (32%); highest among the groups gnomAD compares: African/African-American, 69%; 59,228 homozygotes.

Submissions (6):

Labcorp Genetics (formerly Invitae), Labcorp
Classification: Benign for Hyperekplexia 2. Last evaluated: 2026-02-03. Review status: criteria provided, single submitter. Criteria: Invitae Variant Classification Sherloc (09022015). Collection method: clinical testing. Allele origin: germline.

Blueprint Genetics
Classification: Benign. Last evaluated: 2024-11-26. Review status: criteria provided, single submitter. Criteria: ACMG Guidelines, 2015. Collection method: clinical testing. Allele origin: germline.

Genome-Nilou Lab
Classification: Benign for Hyperekplexia 2. Last evaluated: 2021-08-10. Review status: criteria provided, single submitter. Criteria: ACMG Guidelines, 2015. Collection method: clinical testing. Allele origin: germline. Affected: no.

GeneDx
Classification: Benign. Last evaluated: 2021-05-12. Review status: criteria provided, single submitter. Criteria: GeneDx Variant Classification Process June 2021. Collection method: clinical testing. Allele origin: germline. Affected: yes.

Illumina Laboratory Services, Illumina
Classification: Benign for Hyperekplexia 2. Last evaluated: 2018-01-12. Review status: criteria provided, single submitter. Criteria: ICSL Variant Classification Criteria 13 December 2019. Collection method: clinical testing. Allele origin: germline.
Comment: This variant was observed in the ICSL laboratory as part of a predisposition screen in an ostensibly healthy population. It had not been previously curated by ICSL or reported in the Human Gene Mutation Database (HGMD: prior to June 1st, 2018), and was therefore a candidate for classification through an automated scoring system. Utilizing variant allele frequency, disease prevalence and penetrance estimates, and inheritance mode, an automated score was calculated to assess if this variant is too frequent to cause the disease. Based on the score and internal cut-off values, a variant classified as benign is not then subjected to further curation. The score for this variant resulted in a classification of benign for this disease.

Breakthrough Genomics
Classification: Benign. Review status: criteria provided, single submitter. Criteria: ACMG Guidelines, 2015. Collection method: not provided. Allele origin: germline. Inheritance: Autosomal recessive inheritance. Affected: yes.